The following is an entry in ClinVar:

NM_004260.4(RECQL4):c.1892G>A (p.Arg631His)

Gene: RECQL4 (RecQ like helicase 4; minus strand). Cytogenetic location: 8q24.3.
Variant type: single nucleotide variant.
Coding change: c.1892G>A on transcript NM_004260.4 (MANE Select); coding-DNA position 1892, G replaced by A.
Protein change: p.Arg631His; replaces arginine 631 with histidine.
Molecular consequence: missense variant.
Genome position (GRCh38, 1-based): chr8:144,514,094, C>T on the plus strand (G>A on the coding strand, the complement: RECQL4 is on the minus strand). VCF-style: chr8-144514094-C-T. GRCh37 (hg19) VCF-style: chr8-145739478-C-T.
Other names: short protein forms R631H.
Identifiers: ClinVar variation 459352 (VCV000459352.15), dbSNP rs771179943, ClinGen allele CA4948584.

ClinVar aggregate classification (germline): Conflicting classifications of pathogenicity. Review status: criteria provided, conflicting classifications (1 of 4 stars). 5 submissions from 5 submitters: Uncertain significance (4); Likely benign (1). Last evaluated 2025-02-13.

Conditions:
Inborn genetic diseases. Identifiers: MedGen C0950123, MeSH D030342.
Hereditary cancer-predisposing syndrome. Also called: Hereditary neoplastic syndrome; Neoplastic Syndromes, Hereditary; Tumor predisposition; Hereditary Cancer Syndrome. Identifiers: Orphanet 140162, MedGen C0027672, MeSH D009386, MONDO:0015356.
Rothmund-Thomson syndrome (RTS). Also called: Poikiloderma Congenitale; Poikiloderma of Rothmund-Thomson. Identifiers: Orphanet 2909, MedGen C0032339, MONDO:0010002.
Rapadilino syndrome. Identifiers: Orphanet 3021, MedGen C1849453, MONDO:0009955, OMIM 266280.
Baller-Gerold syndrome (BGS). Also called: CRANIOSYNOSTOSIS WITH RADIAL DEFECTS. Identifiers: Orphanet 1225, MedGen C0265308, MONDO:0009039, OMIM 218600.

Allele frequency attached by ClinVar (database versions not stated): gnomAD 0.00006 and 0.00007; TOPMed 0.00006.

Submissions (5):

Ambry Genetics
Classification: Likely benign for Inborn genetic diseases. Last evaluated: 2025-02-13. Review status: criteria provided, single submitter. Criteria: Ambry Variant Classification Scheme 2023. Collection method: clinical testing. Allele origin: germline.

Labcorp Genetics (formerly Invitae), Labcorp
Classification: Uncertain significance for Baller-Gerold syndrome. Last evaluated: 2024-07-06. Review status: criteria provided, single submitter. Criteria: Invitae Variant Classification Sherloc (09022015). Collection method: clinical testing. Allele origin: germline.
Comment: This sequence change replaces arginine, which is basic and polar, with histidine, which is basic and polar, at codon 631 of the RECQL4 protein (p.Arg631His). The frequency data for this variant in the population databases is considered unreliable, as metrics indicate poor data quality at this position in the gnomAD database. This variant has not been reported in the literature in individuals affected with RECQL4-related conditions. ClinVar contains an entry for this variant (Variation ID: 459352). Advanced modeling of protein sequence and biophysical properties (such as structural, functional, and spatial information, amino acid conservation, physicochemical variation, residue mobility, and thermodynamic stability) performed at Invitae indicates that this missense variant is not expected to disrupt RECQL4 protein function with a negative predictive value of 80%. In summary, the available evidence is currently insufficient to determine the role of this variant in disease. Therefore, it has been classified as a Variant of Uncertain Significance.

Sema4
Classification: Uncertain significance for Hereditary cancer-predisposing syndrome. Last evaluated: 2022-02-09. Review status: criteria provided, single submitter. Criteria: Sema4 Curation Guidelines. Collection method: curation. Allele origin: germline.
Comment: The RECQL4 c.1892G>A (p.R631H) variant has not been reported in the literature to our knowledge. This variant was observed in 14/251684 chromosomes across all population in the large and broad cohorst in the Genome Aggregation Database (PMID: 32461654). The variant has been reported in ClinVar (Variation ID: 459352). Functional studies have not been performed, and in silico predictions of the variant's effect on protein function are inconclusive. The evidence is insufficient to meet ACMG/AMP criteria for classifying the variant as benign or pathogenic. Thus, the clinical significance of this variant is currently uncertain.

Institute for Clinical Genetics, University Hospital TU Dresden, University Hospital TU Dresden
Classification: Uncertain significance. Last evaluated: 2021-11-03. Review status: criteria provided, single submitter. Criteria: ACMG Guidelines, 2015. Collection method: clinical testing. Allele origin: germline.

Fulgent Genetics
Classification: Uncertain significance for Baller-Gerold syndrome; Rapadilino syndrome; Rothmund-Thomson syndrome type 2. Last evaluated: 2018-10-31. Review status: criteria provided, single submitter. Criteria: ACMG Guidelines, 2015. Collection method: clinical testing. Allele origin: unknown.